The following is an entry in ClinVar:

ClinVar aggregate classification (germline): Benign/Likely benign. Review status: criteria provided, multiple submitters, no conflicts (2 of 4 stars). 4 submissions from 4 submitters: Benign (2); Likely benign (2). Last evaluated 2026-01-21.

Conditions:
Singleton-Merten syndrome 1 (SGMRT1). Also called: Widened medullary cavities of bone, aortic calcification, abnormal dentition, and muscular weakness; Syndrome of widened medullary cavities of the metacarpals and phalanges, aortic calcification and abnormal dentition. Identifiers: Orphanet 85191, MedGen C4225427, MONDO:0024535, OMIM 182250.
Aicardi-Goutieres syndrome 7 (AGS7). Identifiers: Orphanet 51, MedGen C3888244, MONDO:0014367, OMIM 615846.

Allele frequency attached by ClinVar (database versions not stated): 1000 Genomes Project 30x 0.00047; gnomAD exomes 0.00049 and 0.00056; 1000 Genomes Project 0.00060; ExAC 0.00075; gnomAD 0.00194 and 0.00214; ESP Exome Variant Server 0.00215; TOPMed 0.00237.
gnomAD v4.1: 1,048 of 1,606,164 alleles (0.065%); highest among the groups gnomAD compares: African/African-American, 0.56%; 1 homozygote.

Submissions (4):

Labcorp Genetics (formerly Invitae), Labcorp
Classification: Benign for Aicardi-Goutieres syndrome 7; Singleton-Merten syndrome 1. Last evaluated: 2026-01-21. Review status: criteria provided, single submitter. Criteria: Invitae Variant Classification Sherloc (09022015). Collection method: clinical testing. Allele origin: germline.

Mayo Clinic Laboratories, Mayo Clinic
Classification: Benign. Last evaluated: 2025-06-10. Review status: criteria provided, single submitter. Criteria: ACMG Guidelines, 2015. Collection method: clinical testing. Allele origin: germline. Observed: 2 variant alleles.
Comment: BS1, BS2, BP4

Blueprint Genetics
Classification: Likely benign. Last evaluated: 2024-11-11. Review status: criteria provided, single submitter. Criteria: ACMG Guidelines, 2015. Collection method: clinical testing. Allele origin: germline.

CeGaT Center for Human Genetics Tuebingen
Classification: Likely benign. Last evaluated: 2022-04-01. Review status: criteria provided, single submitter. Criteria: CeGaT Center For Human Genetics Tuebingen Variant Classification Criteria Version 2. Collection method: clinical testing. Allele origin: germline. Affected: yes. Observed: 1 variant allele.
Comment: IFIH1: BS1

NM_022168.4(IFIH1):c.2785G>A (p.Val929Ile)

Gene: IFIH1 (interferon induced with helicase C domain 1; minus strand). Cytogenetic location: 2q24.2.
Variant type: single nucleotide variant.
Coding change: c.2785G>A on transcript NM_022168.4 (MANE Select); coding-DNA position 2785, G replaced by A.
Protein change: p.Val929Ile; replaces valine 929 with isoleucine.
Molecular consequence: missense variant.
Genome position (GRCh38, 1-based): chr2:162,268,109, C>T on the plus strand (G>A on the coding strand, the complement: IFIH1 is on the minus strand). VCF-style: chr2-162268109-C-T. GRCh37 (hg19) VCF-style: chr2-163124619-C-T.
Other names: p.Val929Ile; c.2785G>A, p.Val929Ile (LRG_1235t1); short protein forms V929I.
Identifiers: ClinVar variation 474956 (VCV000474956.38), dbSNP rs140562355, ClinGen allele CA1934078.